The following is an entry in ClinVar:

NM_022041.4(GAN):c.132G>A (p.Gln44=)

Genes: GAN (gigaxonin; plus strand), LOC130059498 (ATAC-STARR-seq lymphoblastoid silent region 7753; plus strand). Cytogenetic location: 16q23.2.
Variant type: single nucleotide variant.
Coding change: c.132G>A on transcript NM_022041.4 (MANE Select); coding-DNA position 132, G replaced by A.
Protein change: p.Gln44=; no amino-acid change (glutamine 44 retained).
Molecular consequence: synonymous variant. On other transcripts: 5 prime UTR variant (1).
Genome position (GRCh38, 1-based): chr16:81,315,245, G>A. VCF-style: chr16-81315245-G-A. GRCh37 (hg19) VCF-style: chr16-81348850-G-A.
Other names: c.-393G>A (NM_001377486.1).
Identifiers: ClinVar variation 320652 (VCV000320652.8), dbSNP rs774609110, ClinGen allele CA8191256.

ClinVar aggregate classification (germline): Conflicting classifications of pathogenicity. Review status: criteria provided, conflicting classifications (1 of 4 stars). 2 submissions from 2 submitters: Uncertain significance (1); Likely benign (1). Last evaluated 2026-02-02.

Conditions:
Inborn genetic diseases. Identifiers: MedGen C0950123, MeSH D030342.

Allele frequency attached by ClinVar (database versions not stated): gnomAD 0.00001; TOPMed 0.00002; gnomAD exomes 0.00003 and 0.00004; ExAC 0.00012.
gnomAD v4.1: 42 of 1,578,266 alleles (0.0027%); highest among the groups gnomAD compares: Non-Finnish European, 0.0033%; no homozygotes.

Submissions (2):

GeneDx
Classification: Uncertain significance. Last evaluated: 2026-02-02. Review status: criteria provided, single submitter. Criteria: GeneDx Variant Classification Process June 2021. Collection method: clinical testing. Allele origin: germline.
Comment: Not observed at significant frequency in large population cohorts (gnomAD); In silico analysis suggests that this variant does not alter splicing; Has not been previously published as pathogenic or benign to our knowledge

Ambry Genetics
Classification: Likely benign for Inborn genetic diseases. Last evaluated: 2019-07-11. Review status: criteria provided, single submitter. Criteria: Ambry Variant Classification Scheme 2023. Collection method: clinical testing. Allele origin: germline.